The following is an entry in ClinVar:

NM_138348.6(OTULIN):c.125G>A (p.Arg42Gln)

Gene: OTULIN (OTU deubiquitinase with linear linkage specificity; plus strand). Cytogenetic location: 5p15.2.
Variant type: single nucleotide variant.
Coding change: c.125G>A on transcript NM_138348.6 (MANE Select); coding-DNA position 125, G replaced by A.
Protein change: p.Arg42Gln; replaces arginine 42 with glutamine.
Molecular consequence: missense variant.
Genome position (GRCh38, 1-based): chr5:14,664,950, G>A. VCF-style: chr5-14664950-G-A. GRCh37 (hg19) VCF-style: chr5-14665059-G-A.
Other names: short protein forms R42Q.
Identifiers: ClinVar variation 4724112 (VCV004724112.1).

ClinVar aggregate classification (germline): Uncertain significance (1 of 4 stars; one submission).

Submission:

Labcorp Genetics (formerly Invitae), Labcorp
Classification: Uncertain significance. Last evaluated: 2025-08-03. Review status: criteria provided, single submitter. Criteria: Invitae Variant Classification Sherloc (09022015). Collection method: clinical testing. Allele origin: germline.
Comment: This sequence change replaces arginine, which is basic and polar, with glutamine, which is neutral and polar, at codon 42 of the OTULIN protein (p.Arg42Gln). This variant is not present in population databases (gnomAD no frequency). This variant has not been reported in the literature in individuals affected with OTULIN-related conditions. An algorithm developed to predict the effect of missense changes on protein structure and function (PolyPhen-2) suggests that this variant is likely to be tolerated. In summary, the available evidence is currently insufficient to determine the role of this variant in disease. Therefore, it has been classified as a Variant of Uncertain Significance.